The following is an entry in ClinVar:

NM_003106.4(SOX2):c.157dup (p.Arg53fs)

Genes: SOX2-OT (SOX2 overlapping transcript; plus strand), SOX2 (SRY-box transcription factor 2; plus strand), LOC108281177 (SOX2 5' regulatory region; plus strand). Cytogenetic location: 3q26.33.
Variant type: Duplication.
Coding change: c.157dup on transcript NM_003106.4 (MANE Select); coding-DNA position 157, one base duplicated (C; older notation c.157dupC).
Protein change: p.Arg53fs; shifts the reading frame from arginine 53.
Molecular consequence: frameshift variant.
Genome position (GRCh38, 1-based): chr3:181,712,517, C duplicated; the last of 3 consecutive C bases (chr3:181,712,515-181,712,517); duplicating any one gives the same sequence. VCF-style (leftmost placement, unchanged base first): chr3-181712514-T-TC. GRCh37 (hg19) VCF-style: chr3-181430302-T-TC.
Other names: c.157dupC (NM_003106.3); short protein forms R53fs.
Identifiers: ClinVar variation 467821 (VCV000467821.9), dbSNP rs1553862958, ClinGen allele CA658657350.

ClinVar aggregate classification (germline): Pathogenic (1 of 4 stars; one submission).

Conditions:
Anophthalmia/microphthalmia-esophageal atresia syndrome (MCOPS3). Also called: MICROPHTHALMIA AND ESOPHAGEAL ATRESIA SYNDROME; AEG SYNDROME; SOX2 Disorder. Identifiers: Orphanet 77298, MedGen C1859773, MONDO:0008799, OMIM 206900.

Submission:

Labcorp Genetics (formerly Invitae), Labcorp
Classification: Pathogenic for Anophthalmia/microphthalmia-esophageal atresia syndrome. Last evaluated: 2017-06-21. Review status: criteria provided, single submitter. Criteria: Invitae Variant Classification Sherloc (09022015). Collection method: clinical testing. Allele origin: germline.
Comment: This variant has not been reported in the literature in individuals with a SOX2-related disease. This variant is not present in population databases (ExAC no frequency). This sequence change results in a premature translational stop signal in the SOX2 gene (p.Arg53Profs*43). While this is not anticipated to result in nonsense mediated decay, it is expected to disrupt the last 265 amino acids (~83%) of the SOX2 protein. A different truncation downstream of this variant (p.Gln177*) has been determined to be pathogenic (PMID: 12612584, 16932809). This suggests that deletion of this region of the SOX2 protein is causative of disease. For these reasons, this variant has been classified as Pathogenic.

Literature cited by the submitters: PubMed 12612584; PubMed 16932809.